The following is an entry in ClinVar:

NM_024675.4(PALB2):c.34GAG[1] (p.Glu13del)

Gene: PALB2 (partner and localizer of BRCA2; minus strand). Cytogenetic location: 16p12.2.
Variant type: Microsatellite.
Coding change: c.34GAG[1] on transcript NM_024675.4 (MANE Select); one copy of the 3-base unit GAG starting at c.34; the reference has two copies in a row; one copy, 3 bases deleted; also written c.37_39del.
Protein change: p.Glu13del; deletes glutamic acid 13.
Molecular consequence: inframe deletion.
Genome position (GRCh38, 1-based): chr16:23,641,119-23,641,121, CTC deleted on the plus strand (GAG on the coding strand, the reverse complement: PALB2 is on the minus strand); deleting any 3 consecutive bases within chr16:23,641,119-23,641,124 gives the same sequence; the position shown is the placement nearest the transcript's 3' end. VCF-style (leftmost placement, unchanged base first): chr16-23641118-TCTC-T. GRCh37 (hg19) VCF-style: chr16-23652439-TCTC-T.
Other names: c.37_39delGAG (NM_024675.3); c.37_39del (NM_024675.4); short protein forms E13del.
Identifiers: ClinVar variation 231830 (VCV000231830.25), dbSNP rs745444171, ClinGen allele CA7963886.

ClinVar aggregate classification (germline): Uncertain significance. Review status: criteria provided, multiple submitters, no conflicts (2 of 4 stars). 8 submissions from 8 submitters: Uncertain significance (7). 1 of the submissions does not count toward it. Last evaluated 2025-12-21.

Conditions:
Infiltrating duct carcinoma of breast. Also called: Invasive Ductal Carcinoma, Not Otherwise Specified; Invasive ductal breast carcinoma. Identifiers: MedGen C1412014, MONDO:0004953.
Hereditary cancer-predisposing syndrome. Also called: Neoplastic Syndromes, Hereditary; Tumor predisposition; Hereditary Cancer Syndrome; Hereditary neoplastic syndrome. Identifiers: Orphanet 140162, MedGen C0027672, MeSH D009386, MONDO:0015356.
Familial cancer of breast. Also called: BREAST CANCER, FAMILIAL; hereditary breast carcinoma; Hereditary breast cancer. Identifiers: Orphanet 227535, MedGen C0346153, MONDO:0016419, OMIM 114480. Disease mechanism: loss of function.

Submissions (8):

Labcorp Genetics (formerly Invitae), Labcorp
Classification: Uncertain significance for Familial cancer of breast. Last evaluated: 2025-12-21. Review status: criteria provided, single submitter. Criteria: Invitae Variant Classification Sherloc (09022015). Collection method: clinical testing. Allele origin: germline.
Comment: This variant, c.37_39del, results in the deletion of 1 amino acid(s) of the PALB2 protein (p.Glu13del), but otherwise preserves the integrity of the reading frame. This variant is present in population databases (rs745444171, gnomAD 0.01%). This variant has not been reported in the literature in individuals affected with PALB2-related conditions. ClinVar contains an entry for this variant (Variation ID: 231830). Experimental studies and prediction algorithms are not available or were not evaluated, and the functional significance of this variant is currently unknown. In summary, the available evidence is currently insufficient to determine the role of this variant in disease. Therefore, it has been classified as a Variant of Uncertain Significance.

Ambry Genetics
Classification: Uncertain significance for Hereditary cancer-predisposing syndrome. Last evaluated: 2025-04-14. Review status: criteria provided, single submitter. Criteria: Ambry Variant Classification Scheme 2023. Collection method: clinical testing. Allele origin: germline.
Comment: The c.37_39delGAG variant (also known as p.E13DEL) located in coding exon 1 of the PALB2 gene. This variant results from an in-frame GAG deletion between nucleotide positions 37 and 39. This results in the in-frame deletion of a glutamic acid residue at codon 13. This amino acid position is highly conserved through mammals. In addition, this alteration is predicted to be deleterious by in silico analysis (Choi Y et al. PLoS ONE. 2012; 7(10):e46688). Based on the available evidence, the clinical significance of this variant remains unclear.

Color Diagnostics, LLC DBA Color Health
Classification: Uncertain significance for Hereditary cancer-predisposing syndrome. Last evaluated: 2024-05-14. Review status: criteria provided, single submitter. Criteria: ACMG Guidelines, 2015. Collection method: clinical testing. Allele origin: germline.
Comment: This variant causes the deletion of one amino acid, glutamic acid, at codon 13 in the PALB2 protein. To our knowledge, functional studies have not been reported for this variant. This variant has not been reported in individuals affected with hereditary cancer in the literature. This variant has been identified in 2/247884 chromosomes in the general population by the Genome Aggregation Database (gnomAD). The available evidence is insufficient to determine the role of this variant in disease conclusively. Therefore, this variant is classified as a Variant of Uncertain Significance.

Baylor Genetics
Classification: Uncertain significance for Familial cancer of breast. Last evaluated: 2024-03-28. Review status: criteria provided, single submitter. Criteria: ACMG Guidelines, 2015. Collection method: clinical testing. Allele origin: unknown.

GeneDx
Classification: Uncertain significance. Last evaluated: 2023-11-19. Review status: criteria provided, single submitter. Criteria: GeneDx Variant Classification Process June 2021. Collection method: clinical testing. Allele origin: germline. Affected: yes.
Comment: Not observed at significant frequency in large population cohorts (gnomAD); In-frame deletion of one amino acid in a non-repeat region; In silico analysis supports a deleterious effect on protein structure/function; Has not been previously published as pathogenic or benign to our knowledge; This variant is associated with the following publications: (PMID: 19369211, 20871615)

Women's Health and Genetics/Laboratory Corporation of America, LabCorp
Classification: Uncertain significance. Last evaluated: 2020-03-20. Review status: criteria provided, single submitter. Criteria: LabCorp Variant Classification Summary - May 2015. Collection method: clinical testing. Allele origin: germline.
Comment: Variant summary: PALB2 c.37_39delGAG (p.Glu13del) results in an in-frame deletion that is predicted to remove 1 amino acid from the encoded protein. The variant allele was found at a frequency of 8.1e-06 in 247884 control chromosomes (gnomAD). The available data on variant occurrences in the general population are insufficient to allow any conclusion about variant significance. To our knowledge, no occurrence of c.37_39delGAG in individuals affected with Breast Cancer and no experimental evidence demonstrating its impact on protein function have been reported. A co-occurrence with a pathogenic variant has been reported (BRCA1 c.4357+1G>A; Internal testing). Four ClinVar submitters (evaluation after 2014) cite the variant as uncertain significance. Based on the evidence outlined above, the variant was classified as uncertain significance.

Quest Diagnostics Nichols Institute San Juan Capistrano
Classification: Uncertain significance. Last evaluated: 2019-01-08. Review status: criteria provided, single submitter. Criteria: Quest Diagnostics criteria. Collection method: clinical testing. Allele origin: germline.

3DMed Clinical Laboratory Inc
Classification: Uncertain significance for Invasive Ductal Carcinoma, Not Otherwise Specified. Last evaluated: 2017-07-29. Review status: no assertion criteria provided. Criteria: ACMG Guidelines, 2015. Collection method: clinical testing. Allele origin: germline. Affected: yes. Not counted in ClinVar's aggregate classification.